The following is an entry in ClinVar:

ClinVar aggregate classification (germline): Pathogenic (1 of 4 stars; one submission).

Conditions:
Hyper-IgE recurrent infection syndrome 1, autosomal dominant. Also called: STAT3 Hyper IgE Syndrome; Hyper-IgE recurrent infection syndrome 1; Job's Syndrome; HYPER-IgE SYNDROME 1, AUTOSOMAL DOMINANT, WITH RECURRENT INFECTIONS; JOB SYNDROME. Identifiers: Orphanet 2314, MedGen C2936739, MONDO:0007818, OMIM 147060.
STAT3 gain of function. Identifiers: MedGen C4288261.

Submission:

Labcorp Genetics (formerly Invitae), Labcorp
Classification: Pathogenic for STAT3 gain of function; Hyper-IgE recurrent infection syndrome 1, autosomal dominant. Last evaluated: 2022-12-02. Review status: criteria provided, single submitter. Criteria: Invitae Variant Classification Sherloc (09022015). Collection method: clinical testing. Allele origin: germline.
Comment: For these reasons, this variant has been classified as Pathogenic. This variant disrupts the p.Ser636 amino acid residue in STAT3. Other variant(s) that disrupt this residue have been observed in individuals with STAT3-related conditions (PMID: 18602572, 20159255), which suggests that this may be a clinically significant amino acid residue. Advanced modeling of protein sequence and biophysical properties (such as structural, functional, and spatial information, amino acid conservation, physicochemical variation, residue mobility, and thermodynamic stability) performed at Invitae indicates that this missense variant is not expected to disrupt STAT3 protein function. This missense change has been observed in individual(s) with clinical features of hyper IgE syndrome (PMID: 20159255, 28359783; Invitae). In at least one individual the variant was observed to be de novo. This variant is not present in population databases (gnomAD no frequency). This sequence change replaces serine, which is neutral and polar, with tyrosine, which is neutral and polar, at codon 636 of the STAT3 protein (p.Ser636Tyr).

Literature cited by the submitters: PubMed 18602572; PubMed 20159255; PubMed 28359783.

NM_139276.3(STAT3):c.1907C>A (p.Ser636Tyr)

Gene: STAT3 (signal transducer and activator of transcription 3; minus strand). Cytogenetic location: 17q21.2.
Variant type: single nucleotide variant.
Coding change: c.1907C>A on transcript NM_139276.3 (MANE Select); coding-DNA position 1907, C replaced by A.
Protein change: p.Ser636Tyr; replaces serine 636 with tyrosine.
Molecular consequence: missense variant.
Genome position (GRCh38, 1-based): chr17:42,322,476, G>T on the plus strand (C>A on the coding strand, the complement: STAT3 is on the minus strand). VCF-style: chr17-42322476-G-T. GRCh37 (hg19) VCF-style: chr17-40474494-G-T.
Other names: c.1907C>A, p.Ser636Tyr (NM_001369512.1, NM_001369513.1, NM_001369514.1 and 9 more transcripts); c.1823C>A, p.Ser608Tyr (NM_001384984.1); c.1829C>A, p.Ser610Tyr (NM_001384985.1); c.1922C>A, p.Ser641Tyr (NM_001384986.1, NM_001384990.1); c.1886C>A, p.Ser629Tyr (NM_001384987.1); c.1811C>A, p.Ser604Tyr (NM_001384989.1); c.1880C>A, p.Ser627Tyr (NM_001384991.1); c.1847C>A, p.Ser616Tyr (NM_001384992.1); short protein forms S610Y, S627Y, S641Y, S616Y, S636Y, S604Y, S608Y, S629Y.
Identifiers: ClinVar variation 2138015 (VCV002138015.4), dbSNP rs2144683812, ClinGen allele CA399582500.